The following is an entry in ClinVar:

NM_000038.6(APC):c.1043G>A (p.Arg348Gln)

Gene: APC (APC regulator of Wnt signaling pathway; plus strand). Cytogenetic location: 5q22.2.
Variant type: single nucleotide variant.
Coding change: c.1043G>A on transcript NM_000038.6 (MANE Select); coding-DNA position 1043, G replaced by A.
Protein change: p.Arg348Gln; replaces arginine 348 with glutamine.
Molecular consequence: missense variant. On other transcripts: intron variant (4).
Genome position (GRCh38, 1-based): chr5:112,819,075, G>A. VCF-style: chr5-112819075-G-A. GRCh37 (hg19) VCF-style: chr5-112154772-G-A.
Other names: c.1043G>A, p.Arg348Gln (NM_001127510.3, NM_001354895.2, NM_001354896.2); c.989G>A, p.Arg330Gln (NM_001127511.3); c.1073G>A, p.Arg358Gln (NM_001354897.2); c.968G>A, p.Arg323Gln (NM_001354898.2); c.959G>A, p.Arg320Gln (NM_001354899.2); c.866G>A, p.Arg289Gln (NM_001354900.2, NM_001354901.2); c.194G>A, p.Arg65Gln (NM_001354906.2); c.964-194G>A (NM_001354902.2); and 3 more; short protein forms R330Q, R348Q, R289Q, R358Q, R65Q, R323Q, R320Q.
Identifiers: ClinVar variation 482287 (VCV000482287.18), dbSNP rs1402950946, ClinGen allele CA16023595.

ClinVar aggregate classification (germline): Uncertain significance. Review status: criteria provided, multiple submitters, no conflicts (2 of 4 stars). 3 submissions from 3 submitters: Uncertain significance (3). Last evaluated 2025-09-04.

Conditions:
Familial adenomatous polyposis 1 (FAP1). Also called: FAMILIAL ADENOMATOUS POLYPOSIS 1, ATTENUATED; POLYPOSIS, ADENOMATOUS INTESTINAL. Identifiers: MedGen C2713442, MONDO:0021056, OMIM 175100. Disease mechanism: loss of function.
Hereditary cancer-predisposing syndrome. Also called: Neoplastic Syndromes, Hereditary; Tumor predisposition; Hereditary Cancer Syndrome; Hereditary neoplastic syndrome. Identifiers: Orphanet 140162, MedGen C0027672, MeSH D009386, MONDO:0015356.

Allele frequency attached by ClinVar (database versions not stated): gnomAD exomes below 0.00001 and 0.00001; TOPMed 0.00001.
gnomAD v4.1: 7 of 1,614,052 alleles (0.00043%); highest among the groups gnomAD compares: Admixed American, 0.0017%; no homozygotes.

Submissions (3):

Labcorp Genetics (formerly Invitae), Labcorp
Classification: Uncertain significance for Familial adenomatous polyposis 1. Last evaluated: 2025-09-04. Review status: criteria provided, single submitter. Criteria: Invitae Variant Classification Sherloc (09022015). Collection method: clinical testing. Allele origin: germline.
Comment: This sequence change replaces arginine, which is basic and polar, with glutamine, which is neutral and polar, at codon 348 of the APC protein (p.Arg348Gln). This variant is present in population databases (no rsID available, gnomAD 0.002%). This variant has not been reported in the literature in individuals affected with APC-related conditions. ClinVar contains an entry for this variant (Variation ID: 482287). Invitae Evidence Modeling of protein sequence and biophysical properties (such as structural, functional, and spatial information, amino acid conservation, physicochemical variation, residue mobility, and thermodynamic stability) indicates that this missense variant is not expected to disrupt APC protein function with a negative predictive value of 95%. In summary, the available evidence is currently insufficient to determine the role of this variant in disease. Therefore, it has been classified as a Variant of Uncertain Significance.

Ambry Genetics
Classification: Uncertain significance for Hereditary cancer-predisposing syndrome. Last evaluated: 2025-01-02. Review status: criteria provided, single submitter. Criteria: Ambry Variant Classification Scheme 2023. Collection method: clinical testing. Allele origin: germline.
Comment: The p.R348Q variant (also known as c.1043G>A), located in coding exon 9 of the APC gene, results from a G to A substitution at nucleotide position 1043. The arginine at codon 348 is replaced by glutamine, an amino acid with highly similar properties. This amino acid position is highly conserved in available vertebrate species. In addition, in silico predictors for this gene do not accurately predict pathogenicity. Missense alterations in APC are not a common cause of disease (Spier I et al. Genet Med. 2024 Feb;26(2):100992). Based on the available evidence, the clinical significance of this variant remains unclear.

GeneDx
Classification: Uncertain significance. Last evaluated: 2024-12-29. Review status: criteria provided, single submitter. Criteria: GeneDx Variant Classification Process June 2021. Collection method: clinical testing. Allele origin: germline. Affected: yes.
Comment: Not observed at significant frequency in large population cohorts (gnomAD); In silico analysis supports that this missense variant has a deleterious effect on protein structure/function; Has not been previously published as pathogenic or benign to our knowledge